The following is an entry in ClinVar:

NM_013275.6(ANKRD11):c.6919C>T (p.Pro2307Ser)

Gene: ANKRD11 (ankyrin repeat domain 11; minus strand). Cytogenetic location: 16q24.3.
Variant type: single nucleotide variant.
Coding change: c.6919C>T on transcript NM_013275.6 (MANE Select); coding-DNA position 6919, C replaced by T.
Protein change: p.Pro2307Ser; replaces proline 2307 with serine.
Molecular consequence: missense variant.
Genome position (GRCh38, 1-based): chr16:89,279,623, G>A on the plus strand (C>T on the coding strand, the complement: ANKRD11 is on the minus strand). VCF-style: chr16-89279623-G-A. GRCh37 (hg19) VCF-style: chr16-89346031-G-A.
Other names: c.6919C>T, p.Pro2307Ser (NM_001256182.2, NM_001256183.2); short protein forms P2307S.
Identifiers: ClinVar variation 522263 (VCV000522263.41), dbSNP rs575642464, ClinGen allele CA286509669.

ClinVar aggregate classification (germline): Conflicting classifications of pathogenicity. Review status: criteria provided, conflicting classifications (1 of 4 stars). 11 submissions from 11 submitters: Uncertain significance (1); Benign (1); Likely benign (7). 2 of the submissions do not count toward it. Last evaluated 2026-02-03.

Conditions:
ANKRD11-related disorder. Also called: ANKRD11-related condition.
KBG syndrome (KBGS). Also called: ANKRD11-Related KBG Syndrome. Identifiers: Orphanet 2332, MedGen C0220687, MONDO:0007846, OMIM 148050.
Atypical behavior. Also called: Behavioral abnormality; Behavioral disorders. Identifiers: MedGen C0004941, HP:0000708.
Seizure. Also called: Seizures. Identifiers: MedGen C0036572, HP:0001250.
Hand tremor. Identifiers: MedGen C0239842, HP:0002378.
Global developmental delay (DD). Also called: Cognitive delay. Identifiers: MedGen C0557874, HP:0001263. Disease mechanism: loss of function.
Macrocephaly. Also called: Macrocephalus; large head. Identifiers: MedGen C2243051, HP:0000256.
Inborn genetic diseases. Identifiers: MedGen C0950123, MeSH D030342.

Allele frequency attached by ClinVar (database versions not stated): TOPMed 0.00048; 1000 Genomes Project 30x 0.00016; 1000 Genomes Project 0.00020; gnomAD 0.00033 and 0.00035; gnomAD exomes 0.00043.
gnomAD v4.1: 611 of 1,438,294 alleles (0.042%); highest among the groups gnomAD compares: Admixed American, 0.055%; no homozygotes.

Submissions (11):

Labcorp Genetics (formerly Invitae), Labcorp
Classification: Likely benign for KBG syndrome. Last evaluated: 2026-02-03. Review status: criteria provided, single submitter. Criteria: Invitae Variant Classification Sherloc (09022015). Collection method: clinical testing. Allele origin: germline.

CeGaT Center for Human Genetics Tuebingen
Classification: Likely benign. Last evaluated: 2024-11-01. Review status: criteria provided, single submitter. Criteria: CeGaT Center For Human Genetics Tuebingen Variant Classification Criteria Version 2. Collection method: clinical testing. Allele origin: germline. Affected: yes. Observed: 3 variant alleles.
Comment: ANKRD11: BP4, BS2

Blueprint Genetics
Classification: Likely benign. Last evaluated: 2024-10-01. Review status: criteria provided, single submitter. Criteria: ACMG Guidelines, 2015. Collection method: clinical testing. Allele origin: germline.

Ambry Genetics
Classification: Likely benign for Inborn genetic diseases. Last evaluated: 2022-03-25. Review status: criteria provided, single submitter. Criteria: Ambry Variant Classification Scheme 2023. Collection method: clinical testing. Allele origin: germline.

GeneDx
Classification: Benign. Last evaluated: 2020-10-27. Review status: criteria provided, single submitter. Criteria: GeneDx Variant Classification Process June 2021. Collection method: clinical testing. Allele origin: germline. Affected: yes.

Athena Diagnostics
Classification: Likely benign. Last evaluated: 2018-04-16. Review status: criteria provided, single submitter. Criteria: Athena Diagnostics Criteria. Collection method: clinical testing. Allele origin: germline.

Genome Diagnostics Laboratory, University Medical Center Utrecht
Classification: Likely benign for KBG syndrome. Last evaluated: 2017-01-25. Review status: criteria provided, single submitter. Criteria: ACGS Guidelines, 2013. Collection method: clinical testing. Allele origin: germline. Affected: yes. Study: VKGL Data-share Consensus.

Centre for Mendelian Genomics, University Medical Centre Ljubljana
Classification: Uncertain significance for Atypical behavior; Global developmental delay; Hand tremor; Macrocephaly; Seizure. Last evaluated: 2017-01-01. Review status: criteria provided, single submitter. Criteria: ACMG Guidelines, 2015. Collection method: clinical testing. Allele origin: unknown. Affected: yes.

Clinical Genetics DNA and cytogenetics Diagnostics Lab, Erasmus MC, Erasmus Medical Center
Classification: Likely benign for KBG syndrome. Last evaluated: 2016-02-12. Review status: criteria provided, single submitter. Criteria: ACGS Guidelines, 2013. Collection method: clinical testing. Allele origin: germline. Affected: yes. Study: VKGL Data-share Consensus.

PreventionGenetics, part of Exact Sciences
Classification: Likely benign for ANKRD11-related condition. Last evaluated: 2023-08-10. Review status: no assertion criteria provided. Collection method: clinical testing. Allele origin: germline. Not counted in ClinVar's aggregate classification.
Comment: This variant is classified as likely benign based on ACMG/AMP sequence variant interpretation guidelines (Richards et al. 2015 PMID: 25741868, with internal and published modifications).

Laboratory of Diagnostic Genome Analysis, Leiden University Medical Center (LUMC)
Classification: Likely benign. Review status: no assertion criteria provided. Collection method: clinical testing. Allele origin: germline. Affected: yes. Study: VKGL Data-share Consensus. Not counted in ClinVar's aggregate classification.